The following is an entry in ClinVar:

NM_000090.4(COL3A1):c.266C>T (p.Pro89Leu)

Gene: COL3A1 (collagen type III alpha 1 chain; plus strand). Cytogenetic location: 2q32.2.
Variant type: single nucleotide variant.
Coding change: c.266C>T on transcript NM_000090.4 (MANE Select); coding-DNA position 266, C replaced by T.
Protein change: p.Pro89Leu; replaces proline 89 with leucine.
Molecular consequence: missense variant.
Genome position (GRCh38, 1-based): chr2:188,984,946, C>T. VCF-style: chr2-188984946-C-T. GRCh37 (hg19) VCF-style: chr2-189849672-C-T.
Other names: p.Pro89Leu; short protein forms P89L.
Identifiers: ClinVar variation 263835 (VCV000263835.35), dbSNP rs139610730, ClinGen allele CA075540.

ClinVar aggregate classification (germline): Conflicting classifications of pathogenicity. Review status: criteria provided, conflicting classifications (1 of 4 stars). 11 submissions from 11 submitters: Uncertain significance (10); Likely benign (1). Last evaluated 2026-01-27.

Conditions:
COL3A1-related disorder. Also called: COL3A1-related condition.
Polymicrogyria with or without vascular-type Ehlers-Danlos syndrome. Identifiers: Orphanet 636941, MedGen C5193040, MONDO:0032688, OMIM 618343.
Ehlers-Danlos syndrome, type 4 (EDSVASC). Also called: Ehlers-Danlos syndrome vascular type; Ehlers Danlos syndrome, ecchymotic type; Ehlers Danlos syndrome, arterial type; Ehlers Danlos syndrome, Sack-Barabas type; Ehlers-Danlos Syndrome Type IV. Identifiers: Orphanet 286, MedGen C0268338, MONDO:0017314, OMIM 130050.
Familial thoracic aortic aneurysm and aortic dissection (TAAD). Also called: Thoracic aortic aneurysms and dissections. Identifiers: Orphanet 91387, MedGen C4707243, MONDO:0019625.

Allele frequency attached by ClinVar (database versions not stated): gnomAD exomes 0.00004 and 0.00013; ExAC 0.00005; TOPMed 0.00005; gnomAD 0.00006.
gnomAD v4.1: 201 of 1,612,754 alleles (0.012%); highest among the groups gnomAD compares: Non-Finnish European, 0.016%; no homozygotes.

Submissions (11):

Labcorp Genetics (formerly Invitae), Labcorp
Classification: Uncertain significance for Ehlers-Danlos syndrome, type 4. Last evaluated: 2026-01-27. Review status: criteria provided, single submitter. Criteria: Invitae Variant Classification Sherloc (09022015). Collection method: clinical testing. Allele origin: germline.
Comment: This sequence change replaces proline, which is neutral and non-polar, with leucine, which is neutral and non-polar, at codon 89 of the COL3A1 protein (p.Pro89Leu). This variant is present in population databases (rs139610730, gnomAD 0.01%). This missense change has been observed in individual(s) with Ehlers-Danlos syndrome (internal data). ClinVar contains an entry for this variant (Variation ID: 263835). Invitae Evidence Modeling of protein sequence and biophysical properties (such as structural, functional, and spatial information, amino acid conservation, physicochemical variation, residue mobility, and thermodynamic stability) indicates that this missense variant is not expected to disrupt COL3A1 protein function with a negative predictive value of 95%. In summary, the available evidence is currently insufficient to determine the role of this variant in disease. Therefore, it has been classified as a Variant of Uncertain Significance.

Women's Health and Genetics/Laboratory Corporation of America, LabCorp
Classification: Uncertain significance. Last evaluated: 2025-10-09. Review status: criteria provided, single submitter. Criteria: LabCorp Variant Classification Summary - May 2015. Collection method: clinical testing. Allele origin: germline.
Comment: Variant summary: COL3A1 c.266C>T (p.Pro89Leu) results in a non-conservative amino acid change in the encoded protein sequence. Algorithms developed to predict the effect of missense changes on protein structure and function are either unavailable or do not agree on the potential impact of this missense change. The variant allele was found at a frequency of 4e-05 in 250312 control chromosomes. This frequency is not significantly higher than estimated for disease-causing variants in COL3A1, allowing no conclusion about variant significance. c.266C>T has been observed in individual(s) affected with Ehlers-Danlos syndrome (internal data). These data do not allow any conclusion about variant significance. To our knowledge, no experimental evidence demonstrating an impact on protein function has been reported. ClinVar contains an entry for this variant (Variation ID: 263835). Based on the evidence outlined above, the variant was classified as uncertain significance.

Mayo Clinic Laboratories, Mayo Clinic
Classification: Uncertain significance. Last evaluated: 2025-09-24. Review status: criteria provided, single submitter. Criteria: ACMG Guidelines, 2015. Collection method: clinical testing. Allele origin: germline. Observed: 1 variant allele.
Comment: BS1, PP4

PreventionGenetics, part of Exact Sciences
Classification: Uncertain significance for COL3A1-related condition. Last evaluated: 2025-09-08. Review status: criteria provided, single submitter. Criteria: ACMG Guidelines, 2015. Collection method: clinical testing. Allele origin: germline.
Comment: The COL3A1 c.266C>T variant is predicted to result in the amino acid substitution p.Pro89Leu. To our knowledge, this variant has not been reported in the literature. This variant is reported in 0.0093% of alleles in individuals of European (Non-Finnish) descent in gnomAD. At this time, the clinical significance of this variant is uncertain due to the absence of conclusive functional and genetic evidence.

GeneDx
Classification: Uncertain significance. Last evaluated: 2025-03-21. Review status: criteria provided, single submitter. Criteria: GeneDx Variant Classification Process June 2021. Collection method: clinical testing. Allele origin: germline. Affected: yes.
Comment: Has not been previously published as pathogenic or benign to our knowledge; Not located in the triple helical region, where the majority of pathogenic missense variants occur (HGMD); In silico analysis supports that this missense variant has a deleterious effect on protein structure/function

All of Us Research Program, National Institutes of Health
Classification: Uncertain significance for Ehlers-Danlos syndrome, type 4. Last evaluated: 2024-09-23. Review status: criteria provided, single submitter. Criteria: ACMG Guidelines, 2015. Collection method: clinical testing. Allele origin: germline. Inheritance: Autosomal dominant inheritance. Observed: 14 variant alleles, 14 heterozygotes.
Comment: This missense variant replaces proline with leucine at codon 89 of the COL3A1 protein. Computational prediction suggests that this variant may not impact protein structure and function (internally defined REVEL score threshold <= 0.5, PMID: 27666373). To our knowledge, functional studies have not been reported for this variant. This variant has not been reported in individuals affected with cardiovascular disorders in the literature. This variant has been identified in 13/281694 chromosomes in the general population by the Genome Aggregation Database (gnomAD). The available evidence is insufficient to determine the role of this variant in disease conclusively. Therefore, this variant is classified as a Variant of Uncertain Significance.

This study involves interpretation of variants in research participants for the purpose of population health screening. Participant phenotype was not available at the time of variant classification. Additional details can be found in publication PMID: 35346344, PMCID: PMC8962531

Ambry Genetics
Classification: Likely benign for Familial thoracic aortic aneurysm and aortic dissection. Last evaluated: 2024-07-03. Review status: criteria provided, single submitter. Criteria: Ambry Variant Classification Scheme 2023. Collection method: clinical testing. Allele origin: germline.

Color Diagnostics, LLC DBA Color Health
Classification: Uncertain significance for Familial thoracic aortic aneurysm and aortic dissection. Last evaluated: 2024-03-08. Review status: criteria provided, single submitter. Criteria: ACMG Guidelines, 2015. Collection method: clinical testing. Allele origin: germline.
Comment: This missense variant replaces proline with leucine at codon 89 of the COL3A1 protein. Computational prediction tools indicate that this variant has a neutral impact on protein structure and function. To our knowledge, functional studies have not been reported for this variant. This variant has not been reported in individuals affected with COL3A1-related disorders in the literature. This variant has been identified in 13/281694 chromosomes in the general population by the Genome Aggregation Database (gnomAD). The available evidence is insufficient to determine the role of this variant in disease conclusively. Therefore, this variant is classified as a Variant of Uncertain Significance.

CHEO Genetics Diagnostic Laboratory, Children's Hospital of Eastern Ontario
Classification: Uncertain significance for Familial thoracic aortic aneurysm and aortic dissection. Last evaluated: 2022-06-15. Review status: criteria provided, single submitter. Criteria: ACMG Guidelines, 2015. Collection method: clinical testing. Allele origin: germline.

Department of Pathology and Laboratory Medicine, Sinai Health System
Classification: Uncertain significance for Ehlers-Danlos syndrome, vascular type. Last evaluated: 2022-02-03. Review status: criteria provided, single submitter. Criteria: ACMG Guidelines, 2015. Collection method: research. Allele origin: germline.

Fulgent Genetics
Classification: Uncertain significance for Ehlers-Danlos syndrome, type 4; Polymicrogyria with or without vascular-type Ehlers-Danlos syndrome. Last evaluated: 2021-08-11. Review status: criteria provided, single submitter. Criteria: ACMG Guidelines, 2015. Collection method: clinical testing. Allele origin: unknown.